The following is an entry in ClinVar:

NM_001044.5(SLC6A3):c.286G>A (p.Gly96Ser)

Gene: SLC6A3 (solute carrier family 6 member 3). Cytogenetic location: 5p15.33.
Variant type: single nucleotide variant.
Coding change: c.286G>A on transcript NM_001044.5 (MANE Select); coding-DNA position 286, G replaced by A.
Protein change: p.Gly96Ser; replaces glycine 96 with serine.
Molecular consequence: missense variant.
Genome position (GRCh38, 1-based): chr5:1,442,912, C>T on the plus strand (G>A on the coding strand, the complement: SLC6A3 is on the minus strand). VCF-style: chr5-1442912-C-T. GRCh37 (hg19) VCF-style: chr5-1443027-C-T.
Other names: short protein forms G96S.
Identifiers: ClinVar variation 3764458 (VCV003764458.1).
Genomic context (GRCh38, chr5:1,442,912, plus strand): 5'-CGGCTGCCCCTACGACCCCCGCCCGGCCAGCATGCTCAGGGAGGCTGAGATGGGACTTAC[C>T]GCCACCATTTTTGTAGCACAGGTAGGGGAACCGCCAGACGTTGGCCAGGTCCACAGCAAA-3'
Protein context (NP_001035.1, residues 86-106): FPYLCYKNGG[Gly96Ser]AFLVPYLLFM

ClinVar aggregate classification (germline): Uncertain significance (1 of 4 stars; one submission).

gnomAD v4.1: 6 of 1,614,130 alleles (0.00037%); highest among the groups gnomAD compares: East Asian, 0.0022%; no homozygotes.

Submission:

GeneDx
Classification: Uncertain significance. Last evaluated: 2024-08-20. Review status: criteria provided, single submitter. Criteria: GeneDx Variant Classification Process June 2021. Collection method: clinical testing. Allele origin: germline. Affected: yes.
Comment: Not observed at significant frequency in large population cohorts (gnomAD); In silico analysis supports that this missense variant has a deleterious effect on protein structure/function; Has not been previously published as pathogenic or benign to our knowledge